The following is an entry in ClinVar:

NM_001105247.2(ARMC5):c.282G>C (p.Ser94=)

Genes: ARMC5 (armadillo repeat containing 5; plus strand), LOC130058906 (ATAC-STARR-seq lymphoblastoid silent region 7419; plus strand). Cytogenetic location: 16p11.2.
Variant type: single nucleotide variant.
Coding change: c.282G>C on transcript NM_001105247.2 (MANE Select); coding-DNA position 282, G replaced by C.
Protein change: p.Ser94=; no amino-acid change (serine 94 retained).
Molecular consequence: synonymous variant.
Genome position (GRCh38, 1-based): chr16:31,459,806, G>C. VCF-style: chr16-31459806-G-C. GRCh37 (hg19) VCF-style: chr16-31471127-G-C.
Other names: c.567G>C, p.Ser189= (NM_001288767.2); c.378G>C, p.Ser126= (NM_001301820.1); c.282G>C, p.Ser94= (NM_024742.2).
Identifiers: ClinVar variation 3036142 (VCV003036142.2), dbSNP rs769890229, ClinGen allele CA8029392.

ClinVar aggregate classification (germline): Likely benign (0 of 4 stars; one submission).

Conditions:
ARMC5-related disorder. Also called: ARMC5-related condition.

Allele frequency attached by ClinVar (database versions not stated): TOPMed 0.00019; gnomAD 0.00021; ExAC 0.00035.
gnomAD v4.1: 411 of 1,538,984 alleles (0.027%); highest among the groups gnomAD compares: Admixed American, 0.031%; 1 homozygote.

Submission:

PreventionGenetics, part of Exact Sciences
Classification: Likely benign for ARMC5-related condition. Last evaluated: 2022-10-12. Review status: no assertion criteria provided. Collection method: clinical testing. Allele origin: germline.
Comment: This variant is classified as likely benign based on ACMG/AMP sequence variant interpretation guidelines (Richards et al. 2015 PMID: 25741868, with internal and published modifications).